The following is an entry in ClinVar:

ClinVar aggregate classification (germline): Uncertain significance (1 of 4 stars; one submission).

Conditions:
Cardiomyopathy (CMYO). Also called: Cardiomyopathies. Identifiers: Orphanet 167848, MedGen C0878544, MONDO:0004994, HP:0001638. Inheritance: Various modes of inheritance.

Allele frequency attached by ClinVar (database versions not stated): gnomAD exomes below 0.00001; ExAC 0.00001; TOPMed 0.00002.

Submission:

Color Diagnostics, LLC DBA Color Health
Classification: Uncertain significance for Cardiomyopathy. Last evaluated: 2020-01-24. Review status: criteria provided, single submitter. Criteria: ACMG Guidelines, 2015. Collection method: clinical testing. Allele origin: germline.
Comment: This variant causes a G>A nucleotide substitution at the -1 position of intron 4 of the MYL2 gene. Splice prediction tools suggest that this variant may impact RNA splicing. To our knowledge, functional studies have not been performed for this variant. This variant has not been reported in individuals affected with cardiovascular disorders in the literature. This variant has been identified in 1/251482 chromosomes in the general population by the Genome Aggregation Database (gnomAD). Clinical relevance of loss-of-function truncation and splice variants in the MYL2 gene is not clearly established. The available evidence is insufficient to determine the role of this variant in disease conclusively. Therefore, this variant is classified as a Variant of Uncertain Significance.

NM_000432.4(MYL2):c.275-1G>A

Gene: MYL2 (myosin light chain 2; minus strand). Cytogenetic location: 12q24.11.
Variant type: single nucleotide variant.
Coding change: c.275-1G>A on transcript NM_000432.4 (MANE Select); the canonical splice acceptor site of the intron before coding-DNA position 275, G replaced by A.
Molecular consequence: splice acceptor variant.
Genome position (GRCh38, 1-based): chr12:110,913,325, C>T on the plus strand (G>A on the coding strand, the complement: MYL2 is on the minus strand). VCF-style: chr12-110913325-C-T. GRCh37 (hg19) VCF-style: chr12-111351129-C-T.
Other names: c.218-1G>A (NM_001406916.1); c.233-1G>A (NM_001406745.1).
Identifiers: ClinVar variation 923761 (VCV000923761.3), dbSNP rs764312941, ClinGen allele CA041235.